The following is an entry in ClinVar:

NM_145207.3(AFG2A):c.1222G>A (p.Ala408Thr)

Gene: AFG2A (AFG2 AAA ATPase homolog A; plus strand). Cytogenetic location: 4q28.1.
Variant type: single nucleotide variant.
Coding change: c.1222G>A on transcript NM_145207.3 (MANE Select); coding-DNA position 1222, G replaced by A.
Protein change: p.Ala408Thr; replaces alanine 408 with threonine.
Molecular consequence: missense variant.
Genome position (GRCh38, 1-based): chr4:122,935,788, G>A. VCF-style: chr4-122935788-G-A. GRCh37 (hg19) VCF-style: chr4-123856943-G-A.
Other names: c.1219G>A, p.Ala407Thr (NM_001317799.2, NM_001345856.2); short protein forms A407T, A408T.
Identifiers: ClinVar variation 934163 (VCV000934163.4), dbSNP rs1171191374, ClinGen allele CA358103972.

ClinVar aggregate classification (germline): Uncertain significance (1 of 4 stars; one submission).

Conditions:
Microcephaly-intellectual disability-sensorineural hearing loss-epilepsy-abnormal muscle tone syndrome (NEDHSB). Also called: NEURODEVELOPMENTAL DISORDER WITH HEARING LOSS, SEIZURES, AND BRAIN ABNORMALITIES. Identifiers: Orphanet 457351, MedGen C4225276, MONDO:0014698, OMIM 616577.

Allele frequency attached by ClinVar (database versions not stated): TOPMed below 0.00001.
gnomAD v4.1: 1 of 1,613,212 alleles (0.000062%); highest among the groups gnomAD compares: Admixed American, 0.0017%; no homozygotes.

Submission:

Labcorp Genetics (formerly Invitae), Labcorp
Classification: Uncertain significance for Microcephaly-intellectual disability-sensorineural hearing loss-epilepsy-abnormal muscle tone syndrome. Last evaluated: 2022-03-04. Review status: criteria provided, single submitter. Criteria: Invitae Variant Classification Sherloc (09022015). Collection method: clinical testing. Allele origin: germline.
Comment: This sequence change replaces alanine, which is neutral and non-polar, with threonine, which is neutral and polar, at codon 408 of the SPATA5 protein (p.Ala408Thr). This variant is present in population databases (no rsID available, gnomAD 0.003%). This variant has not been reported in the literature in individuals affected with SPATA5-related conditions. ClinVar contains an entry for this variant (Variation ID: 934163). Algorithms developed to predict the effect of missense changes on protein structure and function (SIFT, PolyPhen-2, Align-GVGD) all suggest that this variant is likely to be disruptive. In summary, the available evidence is currently insufficient to determine the role of this variant in disease. Therefore, it has been classified as a Variant of Uncertain Significance.